The following is an entry in ClinVar:

NM_000051.4(ATM):c.7189C>G (p.Gln2397Glu)

Genes: ATM (ATM serine/threonine kinase; plus strand), C11orf65 (chromosome 11 open reading frame 65; minus strand). Cytogenetic location: 11q22.3.
Variant type: single nucleotide variant.
Coding change: c.7189C>G on transcript NM_000051.4 (MANE Select); coding-DNA position 7189, C replaced by G.
Protein change: p.Gln2397Glu; replaces glutamine 2397 with glutamic acid.
Molecular consequence: missense variant. On other transcripts: intron variant (2).
Genome position (GRCh38, 1-based): chr11:108,329,120, C>G. VCF-style: chr11-108329120-C-G. GRCh37 (hg19) VCF-style: chr11-108199847-C-G.
Other names: c.7189C>G, p.Gln2397Glu (NM_001351834.2); c.641-20049G>C (NM_001330368.2); c.*38+6100G>C (NM_001351110.2); short protein forms Q2397E.
Identifiers: ClinVar variation 490690 (VCV000490690.29), dbSNP rs747372355, ClinGen allele CA6266074.

ClinVar aggregate classification (germline): Uncertain significance. Review status: criteria provided, multiple submitters, no conflicts (2 of 4 stars). 7 submissions from 7 submitters: Uncertain significance (6). 1 of the submissions does not count toward it. Last evaluated 2025-11-27.

Conditions:
Hereditary cancer-predisposing syndrome. Also called: Hereditary Cancer Syndrome; Neoplastic Syndromes, Hereditary; Tumor predisposition; Hereditary neoplastic syndrome. Identifiers: Orphanet 140162, MedGen C0027672, MeSH D009386, MONDO:0015356.
Familial cancer of breast. Also called: BREAST CANCER, FAMILIAL; Hereditary breast cancer; hereditary breast carcinoma. Identifiers: Orphanet 227535, MedGen C0346153, MONDO:0016419, OMIM 114480. Disease mechanism: loss of function.
Ataxia-telangiectasia syndrome (AT). Also called: Cerebello-oculocutaneous telangiectasia; Immunodeficiency with ataxia telangiectasia; Ataxia-telangiectasia, complementation group E; Ataxia-telangiectasia, complementation group D; AT, COMPLEMENTATION GROUP C; ATAXIA-TELANGIECTASIA, COMPLEMENTATION GROUP A. Identifiers: Orphanet 100, MedGen C0004135, MONDO:0008840, OMIM 208900.

Allele frequency attached by ClinVar (database versions not stated): ExAC 0.00002; gnomAD exomes 0.00001.
gnomAD v4.1: 4 of 1,613,988 alleles (0.00025%); highest among the groups gnomAD compares: Non-Finnish European, 0.00034%; no homozygotes.

Submissions (7):

Ambry Genetics
Classification: Uncertain significance for Hereditary cancer-predisposing syndrome. Last evaluated: 2025-11-27. Review status: criteria provided, single submitter. Criteria: Ambry Variant Classification Scheme 2023. Collection method: clinical testing. Allele origin: germline.
Comment: The p.Q2397E variant (also known as c.7189C>G), located in coding exon 48 of the ATM gene, results from a C to G substitution at nucleotide position 7189. The glutamine at codon 2397 is replaced by glutamic acid, an amino acid with highly similar properties. This variant was reported in 1/60,466 breast cancer cases and in 0/53,461 controls (Dorling et al. N Engl J Med, 2021 02;384:428-439). This amino acid position is highly conserved in available vertebrate species. In addition, this alteration is predicted to be deleterious by in silico analysis. Since supporting evidence is limited at this time, the clinical significance of this alteration remains unclear.

Labcorp Genetics (formerly Invitae), Labcorp
Classification: Uncertain significance for Ataxia-telangiectasia syndrome. Last evaluated: 2025-09-17. Review status: criteria provided, single submitter. Criteria: Invitae Variant Classification Sherloc (09022015). Collection method: clinical testing. Allele origin: germline.
Comment: This sequence change replaces glutamine, which is neutral and polar, with glutamic acid, which is acidic and polar, at codon 2397 of the ATM protein (p.Gln2397Glu). This variant is present in population databases (rs747372355, gnomAD 0.003%). This missense change has been observed in individual(s) with prostate cancer (PMID: 32853339). ClinVar contains an entry for this variant (Variation ID: 490690). Invitae Evidence Modeling of protein sequence and biophysical properties (such as structural, functional, and spatial information, amino acid conservation, physicochemical variation, residue mobility, and thermodynamic stability) has been performed for this missense variant. However, the output from this modeling did not meet the statistical confidence thresholds required to predict the impact of this variant on ATM protein function. In summary, the available evidence is currently insufficient to determine the role of this variant in disease. Therefore, it has been classified as a Variant of Uncertain Significance.

GeneDx
Classification: Uncertain significance. Last evaluated: 2025-05-18. Review status: criteria provided, single submitter. Criteria: GeneDx Variant Classification Process June 2021. Collection method: clinical testing. Allele origin: germline. Affected: yes.
Comment: Not observed at significant frequency in large population cohorts (gnomAD); In silico analysis supports that this missense variant has a deleterious effect on protein structure/function; This variant is associated with the following publications: (PMID: 23532176, 32853339, 33471991)

Baylor Genetics
Classification: Uncertain significance for Familial cancer of breast. Last evaluated: 2023-12-26. Review status: criteria provided, single submitter. Criteria: ACMG Guidelines, 2015. Collection method: clinical testing. Allele origin: unknown.

Sema4
Classification: Uncertain significance for Hereditary cancer-predisposing syndrome. Last evaluated: 2022-02-18. Review status: criteria provided, single submitter. Criteria: Sema4 Curation Guidelines. Collection method: curation. Allele origin: germline.
Comment: The ATM c.7189C>G (p.Q2397E) variant has been reported in at least two individuals with breast or prostate cancer (PMID: 33471991, 32853339). It was observed in 3/113654 chromosomes of the Non-Finnish European subpopulation in the large and broad cohorts of the Genome Aggregation Database (PMID: 32461654). This variant has been reported in ClinVar (Variation ID 490690). Functional studies have not been performed, and in silico predictions of the variant's effect on protein function are inconclusive. The evidence is insufficient to meet ACMG/AMP criteria for classifying the variant as benign or pathogenic. Thus, the clinical significance of this variant is currently uncertain.

Color Diagnostics, LLC DBA Color Health
Classification: Uncertain significance for Hereditary cancer-predisposing syndrome. Last evaluated: 2019-06-06. Review status: criteria provided, single submitter. Criteria: ACMG Guidelines, 2015. Collection method: clinical testing. Allele origin: germline.

Natera, Inc.
Classification: Uncertain significance for Ataxia-telangiectasia. Last evaluated: 2019-10-28. Review status: no assertion criteria provided. Collection method: clinical testing. Allele origin: germline. Not counted in ClinVar's aggregate classification.

Literature cited by the submitters: PubMed 33471991 (cited by Ambry Genetics and Sema4); PubMed 32853339 (cited by Labcorp Genetics (formerly Invitae), Labcorp and Sema4).